The following is an entry in ClinVar:

ClinVar aggregate classification (germline): Uncertain significance (1 of 4 stars; one submission).

Allele frequency attached by ClinVar (database versions not stated): ExAC 0.00001; gnomAD exomes 0.00001.
gnomAD v4.1: 9 of 1,208,515 alleles (0.00074%); highest among the groups gnomAD compares: East Asian, 0.003%; no homozygotes.

Submission:

Centre of Medical Genetics, University Hospital Muenster
Classification: Uncertain significance. Last evaluated: 2023-03-20. Review status: criteria provided, single submitter. Criteria: ACMG Guidelines, 2015. Collection method: clinical testing. Allele origin: unknown. Affected: yes. Observed: 1 variant allele.
Comment: ACMG categories: PM2,BP4

NM_004187.5(KDM5C):c.4583C>T (p.Pro1528Leu)

Gene: KDM5C (lysine demethylase 5C; minus strand). Cytogenetic location: Xp11.22.
Variant type: single nucleotide variant.
Coding change: c.4583C>T on transcript NM_004187.5 (MANE Select); coding-DNA position 4583, C replaced by T.
Protein change: p.Pro1528Leu; replaces proline 1528 with leucine.
Molecular consequence: missense variant. On other transcripts: intron variant (5).
Genome position (GRCh38, 1-based): chrX:53,193,067, G>A on the plus strand (C>T on the coding strand, the complement: KDM5C is on the minus strand). VCF-style: chrX-53193067-G-A. GRCh37 (hg19) VCF-style: chrX-53222249-G-A.
Other names: c.4580C>T, p.Pro1527Leu (NM_001282622.3); c.4574C>T, p.Pro1525Leu (NM_001353978.3); c.4305+370C>T (NM_001353982.2); c.4314+370C>T (NM_001353979.2); c.4308+370C>T (NM_001353981.2, NM_001353984.2); c.4047-230C>T (NM_001146702.2); short protein forms P1525L, P1527L, P1528L.
Identifiers: ClinVar variation 2504167 (VCV002504167.2), dbSNP rs782577718, ClinGen allele CA10419069.
Genomic context (GRCh38, chrX:53,193,067, plus strand): 5'-TGCAGCCGGGGAGTCAGAGTGGAGAAAGGGGCCGAGGGGCCTGAAGTGGTCCCTTCCGCC[G>A]GTTCCAAGCCATTCTGGTTCTCCTGGGTGCTGGGGCTGCCAGTGGTGGGGATGGGTGCAG-3'
Protein context (NP_004178.2, residues 1518-1538): STQENQNGLE[Pro1528Leu]AEGTTSGPSA